The following is an entry in ClinVar:

ClinVar aggregate classification (germline): Uncertain significance (1 of 4 stars; one submission).

Conditions:
Hereditary cancer-predisposing syndrome. Also called: Tumor predisposition; Neoplastic Syndromes, Hereditary; Hereditary neoplastic syndrome; Hereditary Cancer Syndrome. Identifiers: Orphanet 140162, MedGen C0027672, MeSH D009386, MONDO:0015356.

Submission:

Ambry Genetics
Classification: Uncertain significance for Hereditary cancer-predisposing syndrome. Last evaluated: 2025-08-08. Review status: criteria provided, single submitter. Criteria: Ambry Variant Classification Scheme 2023. Collection method: clinical testing. Allele origin: germline.
Comment: The p.T678I variant (also known as c.2033C>T), located in coding exon 7 of the MET gene, results from a C to T substitution at nucleotide position 2033. The threonine at codon 678 is replaced by isoleucine, an amino acid with similar properties. This amino acid position is conserved. In addition, this alteration is predicted to be tolerated by in silico analysis. Based on the available evidence, the clinical significance of this variant remains unclear.

NM_000245.4(MET):c.2033C>T (p.Thr678Ile)

Gene: MET (MET proto-oncogene, receptor tyrosine kinase; plus strand). Cytogenetic location: 7q31.2.
Variant type: single nucleotide variant.
Coding change: c.2033C>T on transcript NM_000245.4 (MANE Select); coding-DNA position 2033, C replaced by T.
Protein change: p.Thr678Ile; replaces threonine 678 with isoleucine.
Molecular consequence: missense variant.
Genome position (GRCh38, 1-based): chr7:116,757,705, C>T. VCF-style: chr7-116757705-C-T. GRCh37 (hg19) VCF-style: chr7-116397759-C-T.
Other names: c.2033C>T, p.Thr678Ile (NM_001127500.3, NM_001324401.3); c.743C>T, p.Thr248Ile (NM_001324402.2); short protein forms T248I, T678I.
Identifiers: ClinVar variation 4106715 (VCV004106715.1).